The following is an entry in ClinVar:

ClinVar aggregate classification (germline): Conflicting classifications of pathogenicity. Review status: criteria provided, conflicting classifications (1 of 4 stars). 4 submissions from 4 submitters: Uncertain significance (1); Likely benign (2). 1 of the submissions does not count toward it. Last evaluated 2025-03-25.

Conditions:
MBD5-related disorder. Also called: MBD5-related condition.
Intellectual developmental disorder, autosomal dominant 1. Also called: Intellectual disability, autosomal dominant 1; MBD5 Haploinsufficiency. Identifiers: Orphanet 228402, MedGen C1969562, MONDO:0007974, OMIM 156200.

Allele frequency attached by ClinVar (database versions not stated): TOPMed below 0.00001; ExAC 0.00001; gnomAD 0.00003; gnomAD exomes 0.00004 and 0.00001.
gnomAD v4.1: 69 of 1,614,064 alleles (0.0043%); highest among the groups gnomAD compares: Non-Finnish European, 0.0054%; no homozygotes.

Submissions (4):

Labcorp Genetics (formerly Invitae), Labcorp
Classification: Likely benign for Intellectual developmental disorder, autosomal dominant 1. Last evaluated: 2025-03-25. Review status: criteria provided, single submitter. Criteria: Invitae Variant Classification Sherloc (09022015). Collection method: clinical testing. Allele origin: germline.

Eurofins Ntd Llc (ga)
Classification: Uncertain significance. Last evaluated: 2018-09-18. Review status: criteria provided, single submitter. Criteria: EGL ClinVar v180209 classification definitions. Collection method: clinical testing. Allele origin: germline. Observed: 1 variant allele, 1 heterozygote.

GeneDx
Classification: Likely benign. Last evaluated: 2016-09-16. Review status: criteria provided, single submitter. Criteria: GeneDx Variant Classification (06012015). Collection method: clinical testing. Allele origin: germline. Affected: yes.
Comment: This variant is considered likely benign or benign based on one or more of the following criteria: it is a conservative change, it occurs at a poorly conserved position in the protein, it is predicted to be benign by multiple in silico algorithms, and/or has population frequency not consistent with disease.

PreventionGenetics, part of Exact Sciences
Classification: Likely benign for MBD5-related condition. Last evaluated: 2019-06-07. Review status: no assertion criteria provided. Collection method: clinical testing. Allele origin: germline. Not counted in ClinVar's aggregate classification.
Comment: This variant is classified as likely benign based on ACMG/AMP sequence variant interpretation guidelines (Richards et al. 2015 PMID: 25741868, with internal and published modifications).

NM_001378120.1(MBD5):c.4887G>A (p.Leu1629=)

Gene: MBD5 (methyl-CpG binding domain protein 5; plus strand). Cytogenetic location: 2q23.1.
Variant type: single nucleotide variant.
Coding change: c.4887G>A on transcript NM_001378120.1 (MANE Select); coding-DNA position 4887, G replaced by A.
Protein change: p.Leu1629=; no amino-acid change (leucine 1629 retained).
Molecular consequence: synonymous variant.
Genome position (GRCh38, 1-based): chr2:148,490,519, G>A. VCF-style: chr2-148490519-G-A. GRCh37 (hg19) VCF-style: chr2-149248088-G-A.
Other names: c.4188G>A, p.Leu1396= (NM_018328.5).
Identifiers: ClinVar variation 378118 (VCV000378118.16), dbSNP rs779662045, ClinGen allele CA1900480.